The following is an entry in ClinVar:

NM_004881.5(TP53I3):c.160C>T (p.Pro54Ser)

Genes: FAM228B (family with sequence similarity 228 member B; plus strand), TP53I3 (tumor protein p53 inducible protein 3; minus strand). Cytogenetic location: 2p23.3.
Variant type: single nucleotide variant.
Coding change: c.160C>T on transcript NM_004881.5 (MANE Select); coding-DNA position 160, C replaced by T.
Protein change: p.Pro54Ser; replaces proline 54 with serine.
Molecular consequence: missense variant. On other transcripts: intron variant (1).
Genome position (GRCh38, 1-based): chr2:24,083,131, G>A on the plus strand (C>T on the coding strand, the complement: TP53I3 is on the minus strand). VCF-style: chr2-24083131-G-A. GRCh37 (hg19) VCF-style: chr2-24306001-G-A.
Other names: c.160C>T, p.Pro54Ser (NM_001206802.2, NM_147184.4); c.-210+2176G>A (NM_001291328.2); short protein forms P54S.
Identifiers: ClinVar variation 2634857 (VCV002634857.1), dbSNP rs760058149, ClinGen allele CA1549687.

ClinVar aggregate classification (germline): Uncertain significance (1 of 4 stars; one submission).

Conditions:
TP53I3-related disorder. Also called: TP53I3-related condition.

Allele frequency attached by ClinVar (database versions not stated): gnomAD 0.00002; gnomAD exomes 0.00002; TOPMed 0.00002; ExAC 0.00003.
gnomAD v4.1: 25 of 1,612,700 alleles (0.0016%); highest among the groups gnomAD compares: Non-Finnish European, 0.002%; no homozygotes.

Submission:

PreventionGenetics, part of Exact Sciences
Classification: Uncertain significance for TP53I3-related condition. Last evaluated: 2022-11-02. Review status: criteria provided, single submitter. Criteria: ACMG Guidelines, 2015. Collection method: clinical testing. Allele origin: germline.
Comment: The TP53I3 c.160C>T variant is predicted to result in the amino acid substitution p.Pro54Ser. To our knowledge, this variant has not been reported in the literature. This variant is reported in 0.0062% of alleles in individuals of African descent in gnomAD. At this time, the clinical significance of this variant is uncertain due to the absence of conclusive functional and genetic evidence.